The following is an entry in ClinVar:

ClinVar aggregate classification (germline): Uncertain significance (1 of 4 stars; one submission).

Conditions:
Hypertrophic cardiomyopathy. Also called: HYPERTROPHIC MYOCARDIOPATHY. Identifiers: Orphanet 217569, MedGen C0007194, MeSH D002312, MONDO:0005045, HP:0001639.

Submission:

Labcorp Genetics (formerly Invitae), Labcorp
Classification: Uncertain significance for Hypertrophic cardiomyopathy. Last evaluated: 2019-02-25. Review status: criteria provided, single submitter. Criteria: Invitae Variant Classification Sherloc (09022015). Collection method: clinical testing. Allele origin: germline.
Comment: In summary, the available evidence is currently insufficient to determine the role of this variant in disease. Therefore, it has been classified as a Variant of Uncertain Significance. Algorithms developed to predict the effect of missense changes on protein structure and function (SIFT, PolyPhen-2, Align-GVGD) all suggest that this variant is likely to be disruptive, but these predictions have not been confirmed by published functional studies and their clinical significance is uncertain. This variant has not been reported in the literature in individuals with JPH2-related conditions. This variant is not present in population databases (ExAC no frequency). This sequence change replaces glutamic acid with alanine at codon 47 of the JPH2 protein (p.Glu47Ala). The glutamic acid residue is highly conserved and there is a moderate physicochemical difference between glutamic acid and alanine.

NM_020433.5(JPH2):c.140A>C (p.Glu47Ala)

Gene: JPH2 (junctophilin 2; minus strand). Cytogenetic location: 20q13.12.
Variant type: single nucleotide variant.
Coding change: c.140A>C on transcript NM_020433.5 (MANE Select); coding-DNA position 140, A replaced by C.
Protein change: p.Glu47Ala; replaces glutamic acid 47 with alanine.
Molecular consequence: missense variant.
Genome position (GRCh38, 1-based): chr20:44,186,566, T>G on the plus strand (A>C on the coding strand, the complement: JPH2 is on the minus strand). VCF-style: chr20-44186566-T-G. GRCh37 (hg19) VCF-style: chr20-42815206-T-G.
Other names: c.140A>C, p.Glu47Ala (NM_175913.4); short protein forms E47A.
Identifiers: ClinVar variation 848245 (VCV000848245.9), dbSNP rs2072846446, ClinGen allele CA409095445.